The following is an entry in ClinVar:

ClinVar aggregate classification (germline): Uncertain significance (1 of 4 stars; one submission).

Conditions:
PLXNA4-related disorder. Also called: PLXNA4-related condition.

gnomAD v4.1: 1 of 1,614,184 alleles (0.000062%); highest among the groups gnomAD compares: South Asian, 0.0011%; no homozygotes.

Submission:

PreventionGenetics, part of Exact Sciences
Classification: Uncertain significance for PLXNA4-related condition. Last evaluated: 2024-10-11. Review status: criteria provided, single submitter. Criteria: ACMG Guidelines, 2015. Collection method: clinical testing. Allele origin: germline.
Comment: The PLXNA4 c.1501G>A variant is predicted to result in the amino acid substitution p.Ala501Thr. To our knowledge, this variant has not been reported in the literature or in a large population database (gnomAD), indicating this variant is rare. At this time, the clinical significance of this variant is uncertain due to the absence of conclusive functional and genetic evidence.

NM_020911.2(PLXNA4):c.1371+4408G>A

Gene: PLXNA4 (plexin A4; minus strand). Cytogenetic location: 7q32.3.
Variant type: single nucleotide variant.
Coding change: c.1371+4408G>A on transcript NM_020911.2 (MANE Select); 4408 bases into the intron after coding-DNA position 1371, G replaced by A.
Molecular consequence: intron variant. On other transcripts: missense variant (1).
Genome position (GRCh38, 1-based): chr7:132,484,884, C>T on the plus strand (G>A on the coding strand, the complement: PLXNA4 is on the minus strand). VCF-style: chr7-132484884-C-T. GRCh37 (hg19) VCF-style: chr7-132169643-C-T.
Other names: c.1501G>A, p.Ala501Thr (NM_181775.4); c.1371+4408G>A (NM_001393897.1, NM_001105543.2); short protein forms A501T.
Identifiers: ClinVar variation 4997951 (VCV004997951.1).
Genomic context (GRCh38, chr7:132,484,884, plus strand): 5'-AATTCCCAGGTACATTTAGGAAGCAACAAAGCAGAGGCTGGACTCTCTGATCTGATATTG[C>T]TTTGTGACTTGAGCACTGAAGATACACACACAGCATCTGTTCCTGAGAAGCAATGTTCGC-3'